The following is an entry in ClinVar:

NM_001042492.3(NF1):c.1325del (p.Met442fs)

Gene: NF1 (neurofibromin 1; plus strand). Cytogenetic location: 17q11.2.
Variant type: Deletion.
Coding change: c.1325del on transcript NM_001042492.3 (MANE Select); coding-DNA position 1325, one base deleted (T; older notation c.1325delT).
Protein change: p.Met442fs; shifts the reading frame from methionine 442.
Molecular consequence: frameshift variant.
Genome position (GRCh38, 1-based): chr17:31,206,304, T deleted. VCF-style (leftmost placement, unchanged base first): chr17-31206303-AT-A. GRCh37 (hg19) VCF-style: chr17-29533321-AT-A.
Other names: c.1325delT, p.Met442Serfs (NM_000267.4); c.1325del, p.Met442fs (NM_001128147.3); short protein forms M442fs.
Identifiers: ClinVar variation 3656177 (VCV003656177.2).

ClinVar aggregate classification (germline): Pathogenic (1 of 4 stars; one submission).

Conditions:
Neurofibromatosis, type 1 (NF1). Also called: Peripheral type neurofibromatosis; VON RECKLINGHAUSEN DISEASE; NEUROFIBROMATOSIS, TYPE I, SOMATIC; Neurofibromatosis, type I. Identifiers: Orphanet 636, MedGen C0027831, MONDO:0018975, OMIM 162200. Disease mechanism: loss of function.

Submission:

Labcorp Genetics (formerly Invitae), Labcorp
Classification: Pathogenic for Neurofibromatosis, type 1. Last evaluated: 2024-06-11. Review status: criteria provided, single submitter. Criteria: Invitae Variant Classification Sherloc (09022015). Collection method: clinical testing. Allele origin: germline.
Comment: This sequence change creates a premature translational stop signal (p.Met442Serfs*31) in the NF1 gene. It is expected to result in an absent or disrupted protein product. Loss-of-function variants in NF1 are known to be pathogenic (PMID: 10712197, 23913538). This variant is not present in population databases (gnomAD no frequency). This variant has not been reported in the literature in individuals affected with NF1-related conditions. For these reasons, this variant has been classified as Pathogenic.

Literature cited by the submitters: PubMed 10712197; PubMed 23913538.